The following is an entry in ClinVar:

NM_015047.3(EMC1):c.847C>T (p.Pro283Ser)

Genes: EMC1 (ER membrane protein complex subunit 1; minus strand), EMC1-AS1 (EMC1 antisense RNA 1; plus strand). Cytogenetic location: 1p36.13.
Variant type: single nucleotide variant.
Coding change: c.847C>T on transcript NM_015047.3 (MANE Select); coding-DNA position 847, C replaced by T.
Protein change: p.Pro283Ser; replaces proline 283 with serine.
Molecular consequence: missense variant.
Genome position (GRCh38, 1-based): chr1:19,239,925, G>A on the plus strand (C>T on the coding strand, the complement: EMC1 is on the minus strand). VCF-style: chr1-19239925-G-A. GRCh37 (hg19) VCF-style: chr1-19566419-G-A.
Other names: c.847C>T, p.Pro283Ser (NM_001271427.2, NM_001271428.2, NM_001375820.1 and 1 more transcripts); c.781C>T, p.Pro261Ser (NM_001271429.2); short protein forms P261S, P283S.
Identifiers: ClinVar variation 3391727 (VCV003391727.1).

ClinVar aggregate classification (germline): Uncertain significance (1 of 4 stars; one submission).

Submission:

GeneDx
Classification: Uncertain significance. Last evaluated: 2024-06-17. Review status: criteria provided, single submitter. Criteria: GeneDx Variant Classification Process June 2021. Collection method: clinical testing. Allele origin: germline. Affected: yes.
Comment: Not observed at significant frequency in large population cohorts (gnomAD); In silico analysis indicates that this missense variant does not alter protein structure/function; Has not been previously published as pathogenic or benign to our knowledge